The following is an entry in ClinVar:

NM_007294.4(BRCA1):c.4327C>G (p.Arg1443Gly)

Gene: BRCA1 (BRCA1 DNA repair associated; minus strand). Cytogenetic location: 17q21.31.
Variant type: single nucleotide variant.
Coding change: c.4327C>G on transcript NM_007294.4 (MANE Select); coding-DNA position 4327, C replaced by G.
Protein change: p.Arg1443Gly; replaces arginine 1443 with glycine.
Molecular consequence: missense variant. On other transcripts: non-coding transcript variant (1).
Genome position (GRCh38, 1-based): chr17:43,082,434, G>C on the plus strand (C>G on the coding strand, the complement: BRCA1 is on the minus strand). VCF-style: chr17-43082434-G-C. GRCh37 (hg19) VCF-style: chr17-41234451-G-C.
Other names: c.4114C>G, p.Arg1372Gly (NM_001407571.1, NM_001407853.1, NM_001407894.1 and 12 more transcripts); c.4327C>G, p.Arg1443Gly (NM_001407581.1, NM_001407582.1, NM_001407583.1 and 23 more transcripts); c.4324C>G, p.Arg1442Gly (NM_001407587.1, NM_001407590.1, NM_001407591.1 and 21 more transcripts); c.4321C>G, p.Arg1441Gly (NM_001407627.1, NM_001407628.1, NM_001407629.1 and 5 more transcripts); c.4315C>G, p.Arg1439Gly (NM_001407646.1, NM_001407647.1); c.4204C>G, p.Arg1402Gly (NM_001407648.1, NM_001407664.1, NM_001407665.1 and 13 more transcripts); c.4201C>G, p.Arg1401Gly (NM_001407649.1, NM_001407670.1, NM_001407671.1 and 12 more transcripts); c.4246C>G, p.Arg1416Gly (NM_001407663.1, NM_001407656.1, NM_001407661.1 and 1 more transcripts); and 51 more; short protein forms R1443G, R340G, R1396G, R1353G, R1372G, R1395G, R1415G, R1416G.
Identifiers: ClinVar variation 17676 (VCV000017676.79), dbSNP rs41293455, ClinGen allele CA002768.

ClinVar aggregate classification (germline): Benign. Review status: reviewed by expert panel (3 of 4 stars). 22 submissions from 22 submitters: Benign (1). 21 of the submissions do not count toward it. Last evaluated 2019-06-18.

Conditions:
BRCA1-related disorder. Also called: BRCA1-related condition.
Fanconi anemia, complementation group S (FANCS). Identifiers: MedGen C4554406, MONDO:0054748, OMIM 617883.
Hereditary cancer-predisposing syndrome. Also called: Neoplastic Syndromes, Hereditary; Tumor predisposition; Hereditary Cancer Syndrome; Hereditary neoplastic syndrome. Identifiers: Orphanet 140162, MedGen C0027672, MeSH D009386, MONDO:0015356.
Hereditary breast ovarian cancer syndrome. Also called: Hereditary breast and ovarian cancer; Breast and ovarian cancer; Hereditary breast and/or ovarian cancer syndrome; Hereditary breast and ovarian cancer syndrome (HBOC); Hereditary breast and ovarian cancer syndrome; BRCA1- and BRCA2-Associated Hereditary Breast and Ovarian Cancer. Identifiers: Orphanet 145, MedGen C0677776, MeSH D061325, MONDO:0003582. Disease mechanism: loss of function.
Breast-ovarian cancer, familial, susceptibility to, 1 (BROVCA1). Also called: OVARIAN CANCER, SUSCEPTIBILITY TO; BRCA1 Hereditary Breast and Ovarian Cancer. Identifiers: Orphanet 145, MedGen C2676676, MONDO:0011450, OMIM 604370. Disease mechanism: loss of function.

Allele frequency attached by ClinVar (database versions not stated): TOPMed 0.00003.
gnomAD v4.1: 65 of 1,613,954 alleles (0.004%); highest among the groups gnomAD compares: Admixed American, 0.0083%; no homozygotes.

Submissions 1 to 17 of 22:

Evidence-based Network for the Interpretation of Germline Mutant Alleles (ENIGMA)
Classification: Benign for Breast-ovarian cancer, familial, susceptibility to, 1. Last evaluated: 2019-06-18. Review status: reviewed by expert panel. Criteria: ENIGMA BRCA1/2 Classification Criteria (2017-06-29). Collection method: curation. Allele origin: germline.
Comment: IARC class based on posterior probability from multifactorial likelihood analysis, thresholds for class as per Plon et al. 2008 (PMID: 18951446). Class 1 based on posterior probability = 2.23E-06

Labcorp Genetics (formerly Invitae), Labcorp
Classification: Benign for Hereditary breast ovarian cancer syndrome. Last evaluated: 2026-01-18. Review status: criteria provided, single submitter. Criteria: Invitae Variant Classification Sherloc (09022015). Collection method: clinical testing. Allele origin: germline. Not counted in ClinVar's aggregate classification.

Institute for Biomarker Research, Medical Diagnostic Laboratories, L.L.C.
Classification: Likely benign for Hereditary breast ovarian cancer syndrome. Last evaluated: 2024-07-16. Review status: criteria provided, single submitter. Criteria: ACMG Guidelines, 2015. Collection method: clinical testing. Allele origin: germline. Not counted in ClinVar's aggregate classification.

Quest Diagnostics Nichols Institute San Juan Capistrano
Classification: Likely benign. Last evaluated: 2023-06-28. Review status: criteria provided, single submitter. Criteria: Quest Diagnostics criteria. Collection method: clinical testing. Allele origin: unknown. Not counted in ClinVar's aggregate classification.

Blueprint Genetics
Classification: Likely benign. Last evaluated: 2022-04-09. Review status: criteria provided, single submitter. Criteria: ACMG Guidelines, 2015. Collection method: clinical testing. Allele origin: germline. Not counted in ClinVar's aggregate classification.

Sema4
Classification: Likely benign for Hereditary cancer-predisposing syndrome. Last evaluated: 2022-03-14. Review status: criteria provided, single submitter. Criteria: Sema4 Curation Guidelines. Collection method: curation. Allele origin: germline. Not counted in ClinVar's aggregate classification.

Women's Health and Genetics/Laboratory Corporation of America, LabCorp
Classification: Benign. Last evaluated: 2020-12-28. Review status: criteria provided, single submitter. Criteria: LabCorp Variant Classification Summary - May 2015. Collection method: clinical testing. Allele origin: germline. Not counted in ClinVar's aggregate classification.
Comment: Variant summary: BRCA1 c.4327C>G (p.Arg1443Gly) results in a non-conservative amino acid change in the encoded protein sequence. Four of five in-silico tools predict a benign effect of the variant on protein function. The variant allele was found at a frequency of 3.2e-05 in 251364 control chromosomes. The available data on variant occurrences in the general population are insufficient to allow any conclusion about variant significance.c.4327C>G has been reported in the literature in individuals affected with Breast and Ovarian Cancer (e.g. Ahmed_2012, Alsop_2012, Castilla_1994, Haffty_2009, Judkins_2005, Trujillano_2014). These reports do not provide unequivocal conclusions about association of the variant with Hereditary Breast and Ovarian Cancer. Co-occurrences with other pathogenic variant(s) have been reported in the BIC and UMD databases respectively (BRCA1 c.3G>T, p.Met1Ile; BRCA1 c.269_281del, p.Ile90SerfsX25), providing supporting evidence for a benign role. Several publications report experimental evidence evaluating an impact on protein function. These results showed no damaging effect of this variant (Bouwman_2013, Carvalho_2007, Sy_2009, Woods_2016, Fernandes_2019). Nine clinical diagnostic laboratories and one expert panel (ENIGMA) have submitted clinical-significance assessments for this variant to ClinVar after 2014 without evidence for independent evaluation (benign, n=3, likely benign, n=6, VUS, n=1). Based on the evidence outlined above, to reflect the emerging consensus towards a benign outcome, the variant was classified as benign.

ARUP Laboratories, Molecular Genetics and Genomics, ARUP Laboratories
Classification: Likely benign. Last evaluated: 2020-04-18. Review status: criteria provided, single submitter. Criteria: ARUP Molecular Germline Variant Investigation Process. Collection method: clinical testing. Allele origin: germline. Not counted in ClinVar's aggregate classification.

Department of Pathology and Laboratory Medicine, Sinai Health System
Classification: Uncertain significance for Fanconi anemia, complementation group S. Last evaluated: 2019-12-04. Review status: criteria provided, single submitter. Criteria: ACMG Guidelines, 2015. Collection method: clinical testing. Allele origin: germline. Not counted in ClinVar's aggregate classification.

GeneDx
Classification: Likely benign. Last evaluated: 2019-05-08. Review status: criteria provided, single submitter. Criteria: GeneDx Variant Classification Process June 2021. Collection method: clinical testing. Allele origin: germline. Affected: yes. Not counted in ClinVar's aggregate classification.
Comment: Not observed at a significant frequency in large population cohorts (Lek et al., 2016); In silico analysis, which includes protein predictors and evolutionary conservation, supports a deleterious effect; This variant is associated with the following publications: (PMID: 18992264, 25556971, 28781887, 21990134, 7894491, 21447777, 23867111, 25525159, 17308087, 19369211, 26295337, 25652403, 28569743, 30765603, 33087888)

Ambry Genetics
Classification: Likely benign for Hereditary cancer-predisposing syndrome. Last evaluated: 2019-01-25. Review status: criteria provided, single submitter. Criteria: Ambry Variant Classification Scheme 2023. Collection method: clinical testing. Allele origin: germline. Not counted in ClinVar's aggregate classification.

CeGaT Center for Human Genetics Tuebingen
Classification: Likely benign. Last evaluated: 2018-07-01. Review status: criteria provided, single submitter. Criteria: CeGaT Center For Human Genetics Tuebingen Variant Classification Criteria Version 2. Collection method: clinical testing. Allele origin: germline. Affected: yes. Observed: 1 variant allele. Not counted in ClinVar's aggregate classification.

Color Diagnostics, LLC DBA Color Health
Classification: Likely benign for Hereditary cancer-predisposing syndrome. Last evaluated: 2015-01-20. Review status: criteria provided, single submitter. Criteria: ACMG Guidelines, 2015. Collection method: clinical testing. Allele origin: germline. Not counted in ClinVar's aggregate classification.

Molecular Genetics Laboratory, University of Michigan
Classification: Uncertain significance for Breast-ovarian cancer, familial, susceptibility to, 1. Last evaluated: 2014-11-03. Review status: criteria provided, single submitter. Criteria: ACMG Guidelines, 2015. Collection method: clinical testing. Allele origin: germline. Affected: yes. Not counted in ClinVar's aggregate classification.

BRCAlab, Lund University
Classification: Benign for Breast-ovarian cancer, familial, susceptibility to, 1. Last evaluated: 2020-03-02. Review status: no assertion criteria provided. Collection method: clinical testing. Allele origin: germline. Affected: yes. Not counted in ClinVar's aggregate classification.

PreventionGenetics, part of Exact Sciences
Classification: Likely benign for BRCA1-related condition. Last evaluated: 2019-03-15. Review status: no assertion criteria provided. Collection method: clinical testing. Allele origin: germline. Not counted in ClinVar's aggregate classification.
Comment: This variant is classified as likely benign based on ACMG/AMP sequence variant interpretation guidelines (Richards et al. 2015 PMID: 25741868, with internal and published modifications).

CSER _CC_NCGL, University of Washington
Classification: Uncertain significance for Hereditary breast and ovarian cancer. Last evaluated: 2016-08-01. Review status: no assertion criteria provided. Collection method: research. Allele origin: germline. Inheritance: Autosomal dominant inheritance. Study: CSER - NEXT Medicine variant annotation. Not counted in ClinVar's aggregate classification.